The following is an entry in ClinVar:

NM_022915.5(MRPL44):c.103T>G (p.Phe35Val)

Gene: MRPL44 (mitochondrial ribosomal protein L44; plus strand). Cytogenetic location: 2q36.1.
Variant type: single nucleotide variant.
Coding change: c.103T>G on transcript NM_022915.5 (MANE Select); coding-DNA position 103, T replaced by G.
Protein change: p.Phe35Val; replaces phenylalanine 35 with valine.
Molecular consequence: missense variant.
Genome position (GRCh38, 1-based): chr2:223,957,575, T>G. VCF-style: chr2-223957575-T-G. GRCh37 (hg19) VCF-style: chr2-224822292-T-G.
Other names: short protein forms F35V.
Identifiers: ClinVar variation 1907608 (VCV001907608.6), dbSNP rs889706283, ClinGen allele CA65895074.

ClinVar aggregate classification (germline): Uncertain significance. Review status: criteria provided, multiple submitters, no conflicts (2 of 4 stars). 2 submissions from 2 submitters: Uncertain significance (2). Last evaluated 2022-09-06.

Conditions:
Inborn genetic diseases. Identifiers: MedGen C0950123, MeSH D030342.

Allele frequency attached by ClinVar (database versions not stated): gnomAD 0.00001; gnomAD exomes 0.00001; TOPMed 0.00002.
gnomAD v4.1: 7 of 1,613,746 alleles (0.00043%); highest among the groups gnomAD compares: Non-Finnish European, 0.00051%; no homozygotes.

Submissions (2):

Ambry Genetics
Classification: Uncertain significance for Inborn genetic diseases. Last evaluated: 2022-09-06. Review status: criteria provided, single submitter. Criteria: Ambry Variant Classification Scheme 2023. Collection method: clinical testing. Allele origin: germline.

Labcorp Genetics (formerly Invitae), Labcorp
Classification: Uncertain significance. Last evaluated: 2022-08-04. Review status: criteria provided, single submitter. Criteria: Invitae Variant Classification Sherloc (09022015). Collection method: clinical testing. Allele origin: germline.
Comment: This sequence change replaces phenylalanine, which is neutral and non-polar, with valine, which is neutral and non-polar, at codon 35 of the MRPL44 protein (p.Phe35Val). In summary, the available evidence is currently insufficient to determine the role of this variant in disease. Therefore, it has been classified as a Variant of Uncertain Significance. Algorithms developed to predict the effect of missense changes on protein structure and function (SIFT, PolyPhen-2, Align-GVGD) all suggest that this variant is likely to be tolerated. This variant has not been reported in the literature in individuals affected with MRPL44-related conditions. This variant is present in population databases (no rsID available, gnomAD 0.002%).